The following is an entry in ClinVar:

NM_000444.6(PHEX):c.1700G>C (p.Arg567Pro)

Genes: PHEX (phosphate regulating endopeptidase X-linked; plus strand), PTCHD1-AS (PTCHD1 and PHEX antisense RNA; minus strand). Cytogenetic location: Xp22.11.
Variant type: single nucleotide variant.
Coding change: c.1700G>C on transcript NM_000444.6 (MANE Select); coding-DNA position 1700, G replaced by C.
Protein change: p.Arg567Pro; replaces arginine 567 with proline.
Molecular consequence: missense variant.
Genome position (GRCh38, 1-based): chrX:22,212,958, G>C. VCF-style: chrX-22212958-G-C. GRCh37 (hg19) VCF-style: chrX-22231075-G-C.
Other names: c.1700G>C, p.Arg567Pro (NM_001282754.2); short protein forms R567P.
Identifiers: ClinVar variation 372459 (VCV000372459.12), dbSNP rs760870713, ClinGen allele CA16043260.
Genomic context (GRCh38, chrX:22,212,958, plus strand): 5'-TCATAGGATTTCCAGCAGGAGAGCTCCAGAAGCCTTTCTTTTGGGGAACAGAATATCCTC[G>C]GTGAGTAAATGAGTACAGAAACCAGTTACTGACCAATTAGGAAGAACATGTTGCTTTGGT-3'
Protein context (NP_000435.3, residues 557-577): KPFFWGTEYP[Arg567Pro]SLSYGAIGVI

ClinVar aggregate classification (germline): Pathogenic/Likely pathogenic. Review status: criteria provided, multiple submitters, no conflicts (2 of 4 stars). 4 submissions from 4 submitters: Pathogenic (1); Likely pathogenic (2). 1 of the submissions does not count toward it. Last evaluated 2022-02-27.

Conditions:
PHEX-related disorder. Also called: PHEX-related condition.
Childhood hypophosphatasia. Identifiers: Orphanet 247667, Orphanet 436, MedGen C0220743, MONDO:1010168, OMIM 241510, MONDO:0009428.

Submissions (5):

Labcorp Genetics (formerly Invitae), Labcorp
Classification: Pathogenic. Last evaluated: 2022-02-27. Review status: criteria provided, single submitter. Criteria: Invitae Variant Classification Sherloc (09022015). Collection method: clinical testing. Allele origin: germline.
Comment: For these reasons, this variant has been classified as Pathogenic. Variants that disrupt the consensus splice site are a relatively common cause of aberrant splicing (PMID: 17576681, 9536098). Algorithms developed to predict the effect of sequence changes on RNA splicing suggest that this variant may disrupt the consensus splice site. Algorithms developed to predict the effect of missense changes on protein structure and function are either unavailable or do not agree on the potential impact of this missense change (SIFT: "Deleterious"; PolyPhen-2: "Probably Damaging"; Align-GVGD: "Class C0"). ClinVar contains an entry for this variant (Variation ID: 372459). This missense change has been observed in individuals with hypophosphatemic rickets (PMID: 10737991; Invitae). This variant is not present in population databases (gnomAD no frequency). This sequence change replaces arginine, which is basic and polar, with proline, which is neutral and non-polar, at codon 567 of the PHEX protein (p.Arg567Pro). This variant also falls at the last nucleotide of exon 16, which is part of the consensus splice site for this exon.

GeneDx
Classification: Likely pathogenic. Last evaluated: 2018-08-09. Review status: criteria provided, single submitter. Criteria: GeneDx Variant Classification (06012015). Collection method: clinical testing. Allele origin: germline. Affected: yes.
Comment: The R567P missense variant in the PHEX gene has been reported previously in a sporadic" case ofhypophosphatemic rickets (Tyynismaa et al., 2000). The R567P variant was not observed inapproximately 6,500 individuals of European and African American ancestry in the NHLBI ExomeSequencing Project, indicating it is not a common benign variant in these populations. The R567Pvariant is a non-conservative amino acid substitution, which is likely to impact secondary proteinstructure as these residues differ in polarity, charge, size and/or other properties. This substitutionoccurs at a position that is conserved across species and in silico analysis predicts this variant isprobably damaging to the protein structure/function. The R567P variant is a strong candidate for a pathogenic variant, however the possibility it may be a rare benign variant cannot be excluded."

Blueprint Genetics
Classification: Likely pathogenic for PHEX-related disorders. Last evaluated: 2018-05-08. Review status: criteria provided, single submitter. Criteria: ACMG Guidelines, 2015. Collection method: clinical testing. Allele origin: germline. Affected: yes. Observed: 1 variant allele.

Department of Pediatric Endocrinology, Shriners Hospitals for Children - Mexico City
No classification provided. Condition: Childhood hypophosphatasia. Review status: no classification provided. Collection method: phenotyping only. Allele origin: germline. Inheritance: X-linked dominant inheritance. Affected: yes. Observed: 1 variant allele. Not counted in ClinVar's aggregate classification.

Dr. Peter K. Rogan Lab, Western University
No classification provided (evidence only). Condition: Thyroid cancer, nonmedullary, 1. Review status: no classification provided. Collection method: in vitro. Allele origin: not applicable. Functional consequence: retained intron. Not counted in ClinVar's aggregate classification.

Literature cited by the submitters: PubMed 17576681 (cited by Labcorp Genetics (formerly Invitae), Labcorp); PubMed 9536098 (cited by Labcorp Genetics (formerly Invitae), Labcorp); PubMed 10737991 (cited by Labcorp Genetics (formerly Invitae), Labcorp).